The following is an entry in ClinVar:

NM_004168.4(SDHA):c.1588A>C (p.Ser530Arg)

Gene: SDHA (succinate dehydrogenase complex flavoprotein subunit A; plus strand). Cytogenetic location: 5p15.33.
Variant type: single nucleotide variant.
Coding change: c.1588A>C on transcript NM_004168.4 (MANE Select); coding-DNA position 1588, A replaced by C.
Protein change: p.Ser530Arg; replaces serine 530 with arginine.
Molecular consequence: missense variant. On other transcripts: intron variant (1).
Genome position (GRCh38, 1-based): chr5:251,028, A>C. VCF-style: chr5-251028-A-C. GRCh37 (hg19) VCF-style: chr5-251143-A-C.
Other names: c.1444A>C, p.Ser482Arg (NM_001294332.2); c.1552-3365A>C (NM_001330758.2); short protein forms S482R, S530R.
Identifiers: ClinVar variation 4843558 (VCV004843558.1).
Genomic context (GRCh38, chr5:251,028, plus strand): 5'-TACAAATAATATTTTGTGCCACAGTCAATGCAAAATCATGCTGCCGTGTTCCGTGTGGGA[A>C]GCGTGTTGCAAGAAGGTTGTGGGAAAATCAGCAAGCTCTATGGAGACCTAAAGCACCTGA-3'
Protein context (NP_004159.2, residues 520-540): QNHAAVFRVG[Ser530Arg]VLQEGCGKIS

ClinVar aggregate classification (germline): Uncertain significance (1 of 4 stars; one submission).

Conditions:
Hereditary cancer-predisposing syndrome. Also called: Neoplastic Syndromes, Hereditary; Tumor predisposition; Hereditary Cancer Syndrome; Hereditary neoplastic syndrome. Identifiers: Orphanet 140162, MedGen C0027672, MeSH D009386, MONDO:0015356.

Submission:

Ambry Genetics
Classification: Uncertain significance for Hereditary cancer-predisposing syndrome. Last evaluated: 2026-01-03. Review status: criteria provided, single submitter. Criteria: Ambry Variant Classification Scheme 2023. Collection method: clinical testing. Allele origin: germline.
Comment: The p.S530R variant (also known as c.1588A>C), located in coding exon 12 of the SDHA gene, results from an A to C substitution at nucleotide position 1588. The serine at codon 530 is replaced by arginine, an amino acid with dissimilar properties. This amino acid position is conserved. In addition, this alteration is predicted to be tolerated by in silico analysis. Based on the available evidence, the clinical significance of this variant remains unclear.